The following is an entry in ClinVar:

NM_001033044.4(GLUL):c.678_679delinsGT (p.His226_Arg227delinsGlnCys)

Gene: GLUL (glutamate-ammonia ligase; minus strand). Cytogenetic location: 1q25.3.
Variant type: Indel.
Coding change: c.678_679delinsGT on transcript NM_001033044.4 (MANE Select); coding-DNA positions 678 to 679, TC replaced by GT.
Protein change: p.His226_Arg227delinsGlnCys.
Molecular consequence: missense variant.
Genome position (GRCh38, 1-based): chr1:182,385,481-182,385,482, GA replaced by AC on the plus strand (TC replaced by GT on the coding strand, the reverse complement: GLUL is on the minus strand). VCF-style: chr1-182385481-GA-AC. GRCh37 (hg19) VCF-style: chr1-182354616-GA-AC.
Other names: c.678_679delTCinsGT (NM_002065.6); c.678_679delinsGT, p.His226_Arg227delinsGlnCys (NM_001033056.4, NM_002065.7).
Identifiers: ClinVar variation 503859 (VCV000503859.3), dbSNP rs1553249951, ClinGen allele CA658795569.

ClinVar aggregate classification (germline): Uncertain significance. Review status: criteria provided, multiple submitters, no conflicts (2 of 4 stars). 2 submissions from 2 submitters: Uncertain significance (2). Last evaluated 2024-08-20.

Conditions:
Congenital brain dysgenesis due to glutamine synthetase deficiency (GLND). Also called: GLUTAMINE SYNTHASE DEFICIENCY, CONGENITAL SYSTEMIC. Identifiers: Orphanet 71278, MedGen C1864910, MONDO:0012393, OMIM 610015.

Submissions (2):

Labcorp Genetics (formerly Invitae), Labcorp
Classification: Uncertain significance for Congenital brain dysgenesis due to glutamine synthetase deficiency. Last evaluated: 2024-08-20. Review status: criteria provided, single submitter. Criteria: Invitae Variant Classification Sherloc (09022015). Collection method: clinical testing. Allele origin: germline.
Comment: This variant, c.678_679delinsGT, is a complex sequence change that results in the deletion of 2 and insertion of 2 amino acid(s) in the GLUL protein (p.His226_Arg227delinsGlnCys). Information on the frequency of this variant in the gnomAD database is not available, as this variant may be reported differently in the database. This variant has not been reported in the literature in individuals affected with GLUL-related conditions. ClinVar contains an entry for this variant (Variation ID: 503859). Experimental studies and prediction algorithms are not available or were not evaluated, and the functional significance of this variant is currently unknown. In summary, the available evidence is currently insufficient to determine the role of this variant in disease. Therefore, it has been classified as a Variant of Uncertain Significance.

GeneDx
Classification: Uncertain significance. Last evaluated: 2017-11-17. Review status: criteria provided, single submitter. Criteria: GeneDx Variant Classification (06012015). Collection method: clinical testing. Allele origin: germline. Affected: yes.
Comment: The c.678_679delTCinsGT variant in the GLUL gene has not been reported previously as a pathogenic variant nor as a benign variant, to our knowledge. The c.678_679delTCinsGT variant is not observed at a significant frequency in large population cohorts (Lek et al., 2016). In-silico splice prediction models predict that c.678_679delTCinsGT may create a cryptic splice acceptor site in exon 7 that could supplant the natural splice acceptor site. However, in the absence of RNA/functional studies, the actual effect of the c.678_679delTCinsGT change in this individual is unknown. If c.678_679delTCinsGT does not alter splicing, it will result in the in-frame deletion of two nucleotides and the insertion of two aberrant nucleotides, leading to the substitutions of Histidine 226 for a Glutamine and Arginine 227 for a Cystine, denoted p.His226_Arg227delinsGlnCys. In-silico analyses, including protein predictors and evolutionary conservation, support a deleterious effect. We interpret c.678_679delTCinsGT as a variant of uncertain significance.